The following is an entry in ClinVar:

NM_007357.3(COG2):c.1601T>A (p.Ile534Asn)

Gene: COG2 (component of oligomeric golgi complex 2; plus strand). Cytogenetic location: 1q42.2.
Variant type: single nucleotide variant.
Coding change: c.1601T>A on transcript NM_007357.3 (MANE Select); coding-DNA position 1601, T replaced by A.
Protein change: p.Ile534Asn; replaces isoleucine 534 with asparagine.
Molecular consequence: missense variant.
Genome position (GRCh38, 1-based): chr1:230,688,093, T>A. VCF-style: chr1-230688093-T-A. GRCh37 (hg19) VCF-style: chr1-230823839-T-A.
Other names: c.1601T>A, p.Ile534Asn (NM_001145036.2); c.1601T>A (NM_007357.2); short protein forms I534N.
Identifiers: ClinVar variation 1009715 (VCV001009715.6), dbSNP rs141178219, ClinGen allele CA1447818.

ClinVar aggregate classification (germline): Uncertain significance. Review status: criteria provided, multiple submitters, no conflicts (2 of 4 stars). 2 submissions from 2 submitters: Uncertain significance (2). Last evaluated 2024-01-24.

Conditions:
Congenital disorder of glycosylation, type IIq. Also called: CDG IIq. Identifiers: Orphanet 435934, MedGen C4479353, MONDO:0054559, OMIM 617395.

Allele frequency attached by ClinVar (database versions not stated): gnomAD exomes 0.00010 and 0.00020; gnomAD 0.00011; ExAC 0.00012; TOPMed 0.00017; ESP Exome Variant Server 0.00023.
gnomAD v4.1: 299 of 1,600,072 alleles (0.019%); highest among the groups gnomAD compares: Non-Finnish European, 0.024%; no homozygotes.

Submissions (2):

Ambry Genetics
Classification: Uncertain significance. Last evaluated: 2024-01-24. Review status: criteria provided, single submitter. Criteria: Ambry Variant Classification Scheme 2023. Collection method: clinical testing. Allele origin: germline.

Labcorp Genetics (formerly Invitae), Labcorp
Classification: Uncertain significance for Congenital disorder of glycosylation, type IIq. Last evaluated: 2020-12-31. Review status: criteria provided, single submitter. Criteria: Invitae Variant Classification Sherloc (09022015). Collection method: clinical testing. Allele origin: germline.
Comment: In summary, the available evidence is currently insufficient to determine the role of this variant in disease. Therefore, it has been classified as a Variant of Uncertain Significance. Algorithms developed to predict the effect of missense changes on protein structure and function (SIFT, PolyPhen-2, Align-GVGD) all suggest that this variant is likely to be disruptive, but these predictions have not been confirmed by published functional studies and their clinical significance is uncertain. This variant has not been reported in the literature in individuals with COG2-related conditions. This variant is present in population databases (rs141178219, ExAC 0.02%). This sequence change replaces isoleucine with asparagine at codon 534 of the COG2 protein (p.Ile534Asn). The isoleucine residue is moderately conserved and there is a large physicochemical difference between isoleucine and asparagine.